The following is an entry in ClinVar:

NM_001128228.3(TPRN):c.1706C>T (p.Ala569Val)

Gene: TPRN (taperin; minus strand). Cytogenetic location: 9q34.3.
Variant type: single nucleotide variant.
Coding change: c.1706C>T on transcript NM_001128228.3 (MANE Select); coding-DNA position 1706, C replaced by T.
Protein change: p.Ala569Val; replaces alanine 569 with valine.
Molecular consequence: missense variant.
Genome position (GRCh38, 1-based): chr9:137,199,006, G>A on the plus strand (C>T on the coding strand, the complement: TPRN is on the minus strand). VCF-style: chr9-137199006-G-A. GRCh37 (hg19) VCF-style: chr9-140093458-G-A.
Other names: short protein forms A569V.
Identifiers: ClinVar variation 2571800 (VCV002571800.2), dbSNP rs763362569, ClinGen allele CA5362675.

ClinVar aggregate classification (germline): Uncertain significance (1 of 4 stars; one submission).

Allele frequency attached by ClinVar (database versions not stated): gnomAD exomes below 0.00001; TOPMed below 0.00001; ExAC 0.00001; gnomAD 0.00001.

Submission:

GeneDx
Classification: Uncertain significance. Last evaluated: 2024-06-18. Review status: criteria provided, single submitter. Criteria: GeneDx Variant Classification Process June 2021. Collection method: clinical testing. Allele origin: germline. Affected: yes.
Comment: Not observed at significant frequency in large population cohorts (gnomAD); In silico analysis supports a deleterious effect on splicing; In silico analysis indicates that this missense variant does not alter protein structure/function; Has not been previously published as pathogenic or benign to our knowledge